The following is an entry in ClinVar:

NM_001458.5(FLNC):c.7601G>T (p.Gly2534Val)

Genes: FLNC (filamin C; plus strand), FLNC-AS1 (FLNC antisense RNA 1; minus strand). Cytogenetic location: 7q32.1.
Variant type: single nucleotide variant.
Coding change: c.7601G>T on transcript NM_001458.5 (MANE Select); coding-DNA position 7601, G replaced by T.
Protein change: p.Gly2534Val; replaces glycine 2534 with valine.
Molecular consequence: missense variant.
Genome position (GRCh38, 1-based): chr7:128,857,157, G>T. VCF-style: chr7-128857157-G-T. GRCh37 (hg19) VCF-style: chr7-128497211-G-T.
Other names: c.7502G>T, p.Gly2501Val (NM_001127487.2); short protein forms G2534V, G2501V.
Identifiers: ClinVar variation 1385624 (VCV001385624.8), dbSNP rs778822005, ClinGen allele CA369219316.
Genomic context (GRCh38, chr7:128,857,157, plus strand): 5'-CTTGCTACCTCTGGCCCCCAGGTGTGTCATCAGAGTTCATCGTGAACACCCTGAATGCCG[G>T]CTCGGGGGCCTTGTCTGTCACCATTGATGGCCCCTCCAAGGTGCAGCTGGACTGTCGGGA-3'
Protein context (NP_001449.3, residues 2524-2544): SEFIVNTLNA[Gly2534Val]SGALSVTIDG

ClinVar aggregate classification (germline): Uncertain significance (1 of 4 stars; one submission).

Conditions:
Myofibrillar myopathy 5. Also called: Filaminopathy (type); FILAMINOPATHY, AUTOSOMAL DOMINANT. Identifiers: Orphanet 171445, MedGen C1836050, MONDO:0012289, OMIM 609524.
Distal myopathy with posterior leg and anterior hand involvement. Also called: WILLIAMS DISTAL MYOPATHY. Identifiers: Orphanet 63273, MedGen C3279722, MONDO:0013550, OMIM 614065.
Hypertrophic cardiomyopathy 26. Also called: Cardiomyopathy, familial hypertrophic, 26. Identifiers: Orphanet 75249, MedGen C4310749, MONDO:0014883, OMIM 617047.

Submission:

Labcorp Genetics (formerly Invitae), Labcorp
Classification: Uncertain significance for Distal myopathy with posterior leg and anterior hand involvement; Myofibrillar myopathy 5; Hypertrophic cardiomyopathy 26. Last evaluated: 2021-04-08. Review status: criteria provided, single submitter. Criteria: Invitae Variant Classification Sherloc (09022015). Collection method: clinical testing. Allele origin: germline.
Comment: In summary, the available evidence is currently insufficient to determine the role of this variant in disease. Therefore, it has been classified as a Variant of Uncertain Significance. Algorithms developed to predict the effect of missense changes on protein structure and function are either unavailable or do not agree on the potential impact of this missense change (SIFT: "Deleterious"; PolyPhen-2: "Probably Damaging"; Align-GVGD: "Class C0"). This variant has not been reported in the literature in individuals with FLNC-related conditions. This variant is not present in population databases (ExAC no frequency). This sequence change replaces glycine with valine at codon 2534 of the FLNC protein (p.Gly2534Val). The glycine residue is highly conserved and there is a moderate physicochemical difference between glycine and valine.